The following is an entry in ClinVar:

ClinVar aggregate classification (germline): Uncertain significance (1 of 4 stars; one submission).

Allele frequency attached by ClinVar (database versions not stated): gnomAD exomes below 0.00001; TOPMed below 0.00001; ExAC 0.00001; gnomAD 0.00001.
gnomAD v4.1: 5 of 1,614,088 alleles (0.00031%); highest among the groups gnomAD compares: African/African-American, 0.004%; no homozygotes.

Submission:

Ambry Genetics
Classification: Uncertain significance. Last evaluated: 2024-08-10. Review status: criteria provided, single submitter. Criteria: Ambry Variant Classification Scheme 2023. Collection method: clinical testing. Allele origin: germline.
Comment: The p.A358E variant (also known as c.1073C>A), located in coding exon 10 of the BUB1 gene, results from a C to A substitution at nucleotide position 1073. The alanine at codon 358 is replaced by glutamic acid, an amino acid with dissimilar properties. This amino acid position is conserved. In addition, this alteration is predicted to be tolerated by in silico analysis. Since supporting evidence is limited at this time, the clinical significance of this alteration remains unclear.

NM_004336.5(BUB1):c.1073C>A (p.Ala358Glu)

Gene: BUB1 (BUB1 mitotic checkpoint serine/threonine kinase; minus strand). Cytogenetic location: 2q13.
Variant type: single nucleotide variant.
Coding change: c.1073C>A on transcript NM_004336.5 (MANE Select); coding-DNA position 1073, C replaced by A.
Protein change: p.Ala358Glu; replaces alanine 358 with glutamic acid.
Molecular consequence: missense variant.
Genome position (GRCh38, 1-based): chr2:110,661,726, G>T on the plus strand (C>A on the coding strand, the complement: BUB1 is on the minus strand). VCF-style: chr2-110661726-G-T. GRCh37 (hg19) VCF-style: chr2-111419303-G-T.
Other names: c.1013C>A, p.Ala338Glu (NM_001278616.2); c.1073C>A, p.Ala358Glu (NM_001278617.2); short protein forms A338E, A358E.
Identifiers: ClinVar variation 1784103 (VCV001784103.3), dbSNP rs745961127, ClinGen allele CA1828167.